The following is an entry in ClinVar:

ClinVar aggregate classification (germline): Uncertain significance (1 of 4 stars; one submission).

gnomAD v4.1: 1 of 1,205,087 alleles (0.000083%); no homozygotes.

Submission:

Labcorp Genetics (formerly Invitae), Labcorp
Classification: Uncertain significance. Last evaluated: 2023-12-19. Review status: criteria provided, single submitter. Criteria: Invitae Variant Classification Sherloc (09022015). Collection method: clinical testing. Allele origin: germline.
Comment: This sequence change replaces tryptophan, which is neutral and slightly polar, with cysteine, which is neutral and slightly polar, at codon 419 of the IL1RAPL1 protein (p.Trp419Cys). This variant is not present in population databases (gnomAD no frequency). This variant has not been reported in the literature in individuals affected with IL1RAPL1-related conditions. An algorithm developed to predict the effect of missense changes on protein structure and function (PolyPhen-2) suggests that this variant is likely to be disruptive. In summary, the available evidence is currently insufficient to determine the role of this variant in disease. Therefore, it has been classified as a Variant of Uncertain Significance.

NM_014271.4(IL1RAPL1):c.1257G>T (p.Trp419Cys)

Gene: IL1RAPL1 (interleukin 1 receptor accessory protein like 1; plus strand). Cytogenetic location: Xp21.2.
Variant type: single nucleotide variant.
Coding change: c.1257G>T on transcript NM_014271.4 (MANE Select); coding-DNA position 1257, G replaced by T.
Protein change: p.Trp419Cys; replaces tryptophan 419 with cysteine.
Molecular consequence: missense variant.
Genome position (GRCh38, 1-based): chrX:29,954,577, G>T. VCF-style: chrX-29954577-G-T. GRCh37 (hg19) VCF-style: chrX-29972694-G-T.
Other names: short protein forms W419C.
Identifiers: ClinVar variation 2704093 (VCV002704093.3), dbSNP rs2518940223, ClinGen allele CA412633803.